The following is an entry in ClinVar:

NM_000135.4(FANCA):c.3792_3794del (p.Leu1265del)

Genes: FANCA (FA complementation group A; minus strand), ZNF276 (zinc finger protein 276; plus strand). Cytogenetic location: 16q24.3.
Variant type: Deletion.
Coding change: c.3792_3794del on transcript NM_000135.4 (MANE Select); coding-DNA positions 3792 to 3794, 3 bases deleted (CTT; older notation c.3792_3794delCTT).
Protein change: p.Leu1265del; deletes leucine 1265.
Molecular consequence: inframe deletion. On other transcripts: 3 prime UTR variant (2), non-coding transcript variant (4).
Genome position (GRCh38, 1-based): chr16:89,740,838-89,740,840, AAG deleted on the plus strand (CTT on the coding strand, the reverse complement: FANCA is on the minus strand). VCF-style (leftmost placement, unchanged base first): chr16-89740837-CAAG-C. GRCh37 (hg19) VCF-style: chr16-89807245-CAAG-C.
Other names: c.3792_3794del, p.Leu1265del (NM_001286167.3); c.*2592_*2594del (NM_001113525.2, NM_152287.4); short protein forms L1265del.
Identifiers: ClinVar variation 1224499 (VCV001224499.3), dbSNP rs2151716800, ClinGen allele CA2499223817.

ClinVar aggregate classification (germline): Uncertain significance. Review status: criteria provided, multiple submitters, no conflicts (2 of 4 stars). 2 submissions from 2 submitters: Uncertain significance (2). Last evaluated 2023-05-20.

Conditions:
Fanconi anemia (FA). Also called: Fanconi's anemia. Identifiers: Orphanet 84, MedGen C0015625, MeSH D005199, MONDO:0019391.
Fanconi anemia complementation group A (FANCA). Also called: Fanconi anemia, group A; FANCA-Related Fanconi Anemia. Identifiers: Orphanet 84, MedGen C3469521, MONDO:0009215, OMIM 227650.

Submissions (2):

Neuberg Centre For Genomic Medicine, NCGM
Classification: Uncertain significance for Fanconi anemia complementation group A. Last evaluated: 2023-05-20. Review status: criteria provided, single submitter. Criteria: ACMG Guidelines, 2015. Collection method: clinical testing. Allele origin: germline. Inheritance: Autosomal recessive inheritance. Affected: yes.
Comment: The observed inframe deletion c.3792_3794del(p.Leu1265del) variant in FANCA gene has not been reported previously as a pathogenic variant nor as a benign variant, to our knowledge. The p.Leu1265del variant is absent in gnomAD Exomes database. This variant has been submitted to the ClinVar database as Uncertain significance. This p.Leu1265del causes deletion of amino acid Leucine at position 1265. For these reasons, this variant has been classified as Uncertain Significance (VUS).

Dept. of Cytogenetics, ICMR- National Institute of Immunohaematology
Classification: Uncertain significance for Fanconi anemia. Review status: criteria provided, single submitter. Criteria: ACMG Guidelines, 2015. Collection method: clinical testing. Allele origin: germline. Affected: yes. Observed: 1 variant allele.